The following is an entry in ClinVar:

NM_005219.5(DIAPH1):c.2889A>G (p.Ala963=)

Gene: DIAPH1 (diaphanous related formin 1; minus strand). Cytogenetic location: 5q31.3.
Variant type: single nucleotide variant.
Coding change: c.2889A>G on transcript NM_005219.5 (MANE Select); coding-DNA position 2889, A replaced by G.
Protein change: p.Ala963=; no amino-acid change (alanine 963 retained).
Molecular consequence: synonymous variant.
Genome position (GRCh38, 1-based): chr5:141,528,831, T>C on the plus strand (A>G on the coding strand, the complement: DIAPH1 is on the minus strand). VCF-style: chr5-141528831-T-C. GRCh37 (hg19) VCF-style: chr5-140908398-T-C.
Other names: c.2862A>G, p.Ala954= (NM_001079812.3); c.2889A>G, p.Ala963= (NM_001314007.2).
Identifiers: ClinVar variation 227304 (VCV000227304.14), dbSNP rs770304914, ClinGen allele CA3478934.
Genomic context (GRCh38, chr5:141,528,831, plus strand): 5'-AACAAGCAAGGTAATCTCTAGGAGATTGGAAAAGCTCTCACTCTTACGTAACTCCTCACA[T>C]GCAGCAGTGACAGACACAATCTCTGGCTTGATATTCTCCACTTGCTCGCTGAATTGTAGC-3'
Protein context (NP_005210.3, residues 953-973): IKPEIVSVTA[Ala963=]CEELRKSESF

ClinVar aggregate classification (germline): Likely benign. Review status: criteria provided, multiple submitters, no conflicts (2 of 4 stars). 4 submissions from 4 submitters: Likely benign (4). Last evaluated 2026-04-23.

Conditions:
DIAPH1-related disorder. Also called: DIAPH1-related condition.
Autosomal dominant nonsyndromic hearing loss 1. Also called: DEAFNESS, AUTOSOMAL DOMINANT 1, WITH OR WITHOUT THROMBOCYTOPENIA; KONIGSMARK SYNDROME. Identifiers: Orphanet 90635, MedGen C1852282, MONDO:0007424, OMIM 124900.
Progressive microcephaly-seizures-cortical blindness-developmental delay syndrome. Also called: Seizures, cortical blindness, and microcephaly syndrome. Identifiers: Orphanet 477814, MedGen C5567650, MONDO:0014714, OMIM 616632.

Allele frequency attached by ClinVar (database versions not stated): ExAC 0.00001; gnomAD 0.00001 and 0.00002; gnomAD exomes 0.00001 and 0.00002; TOPMed 0.00002.
gnomAD v4.1: 28 of 1,614,138 alleles (0.0017%); highest among the groups gnomAD compares: Middle Eastern, 0.033%; no homozygotes.

Submissions (4):

PreventionGenetics, part of Exact Sciences
Classification: Likely benign for DIAPH1-related condition. Last evaluated: 2026-04-23. Review status: criteria provided, single submitter. Criteria: ACMG Guidelines, 2015. Collection method: clinical testing. Allele origin: germline.
Comment: This variant is classified as likely benign based on ACMG/AMP sequence variant interpretation guidelines (Richards et al. 2015 PMID: 25741868, with internal and published modifications).

Labcorp Genetics (formerly Invitae), Labcorp
Classification: Likely benign for Progressive microcephaly-seizures-cortical blindness-developmental delay syndrome; Autosomal dominant nonsyndromic hearing loss 1. Last evaluated: 2025-10-16. Review status: criteria provided, single submitter. Criteria: Invitae Variant Classification Sherloc (09022015). Collection method: clinical testing. Allele origin: germline.

Athena Diagnostics
Classification: Likely benign. Last evaluated: 2019-04-18. Review status: criteria provided, single submitter. Criteria: Athena Diagnostics Criteria. Collection method: clinical testing. Allele origin: germline.

Laboratory for Molecular Medicine, Mass General Brigham Personalized Medicine
Classification: Likely benign. Last evaluated: 2015-05-22. Review status: criteria provided, single submitter. Criteria: LMM Criteria. Collection method: clinical testing. Allele origin: germline. Observed: 1 variant allele.
Comment: p.Ala963Ala in exon 22 of DIAPH1: This variant is not expected to have clinical significance because it does not alter an amino acid residue and is not located within the splice consensus sequence. This variant has been identified in 1/6669 6 European chromosomes by the Exome Aggregation Consortium (ExAC).